The following is an entry in ClinVar:

NM_001382391.1(CSPP1):c.922A>G (p.Arg308Gly)

Gene: CSPP1 (centrosome and spindle pole associated protein 1; plus strand). Cytogenetic location: 8q13.1.
Variant type: single nucleotide variant.
Coding change: c.922A>G on transcript NM_001382391.1 (MANE Select); coding-DNA position 922, A replaced by G.
Protein change: p.Arg308Gly; replaces arginine 308 with glycine.
Molecular consequence: missense variant.
Genome position (GRCh38, 1-based): chr8:67,095,731, A>G. VCF-style: chr8-67095731-A-G. GRCh37 (hg19) VCF-style: chr8-68007966-A-G.
Other names: c.67A>G, p.Arg23Gly (NM_001291339.2); c.841A>G, p.Arg281Gly (NM_001363131.2, NM_001363133.2); c.922A>G, p.Arg308Gly (NM_001363132.2); c.1030A>G, p.Arg344Gly (NM_001364869.1); c.949A>G, p.Ser317Gly (NM_001364870.1); c.949A>G, p.Arg317Gly (NM_024790.7); short protein forms R23G, R281G, R308G, R317G, R344G, S317G.
Identifiers: ClinVar variation 2499364 (VCV002499364.1), dbSNP rs1812610146, ClinGen allele CA371192124.

ClinVar aggregate classification (germline): Uncertain significance (1 of 4 stars; one submission).

Allele frequency attached by ClinVar (database versions not stated): gnomAD 0.00001.

Submission:

GeneDx
Classification: Uncertain significance. Last evaluated: 2022-10-13. Review status: criteria provided, single submitter. Criteria: GeneDx Variant Classification Process June 2021. Collection method: clinical testing. Allele origin: germline. Affected: yes.
Comment: Not observed at significant frequency in large population cohorts (gnomAD); In silico analysis supports that this missense variant has a deleterious effect on protein structure/function; Has not been previously published as pathogenic or benign to our knowledge; In-silico analysis is inconclusive as to whether the variant alters gene splicing. In the absence of RNA/functional studies, the actual effect of this sequence change is unknown.